The following is an entry in ClinVar:

NM_001103.4(ACTN2):c.1726A>G (p.Met576Val)

Gene: ACTN2 (actinin alpha 2; plus strand). Cytogenetic location: 1q43.
Variant type: single nucleotide variant.
Coding change: c.1726A>G on transcript NM_001103.4 (MANE Select); coding-DNA position 1726, A replaced by G.
Protein change: p.Met576Val; replaces methionine 576 with valine.
Molecular consequence: missense variant.
Genome position (GRCh38, 1-based): chr1:236,751,539, A>G. VCF-style: chr1-236751539-A-G. GRCh37 (hg19) VCF-style: chr1-236914839-A-G.
Other names: c.1726A>G, p.Met576Val (NM_001278343.2); c.1102A>G, p.Met368Val (NM_001278344.2); short protein forms M368V, M576V.
Identifiers: ClinVar variation 915737 (VCV000915737.6), dbSNP rs764719024, ClinGen allele CA1473238.

ClinVar aggregate classification (germline): Conflicting classifications of pathogenicity. Review status: criteria provided, conflicting classifications (1 of 4 stars). 3 submissions from 3 submitters: Uncertain significance (2); Likely benign (1). Last evaluated 2024-07-19.

Conditions:
Cardiomyopathy (CMYO). Also called: Cardiomyopathies. Identifiers: Orphanet 167848, MedGen C0878544, MONDO:0004994, HP:0001638. Inheritance: Various modes of inheritance.
Primary familial hypertrophic cardiomyopathy (HCM). Identifiers: Orphanet 99739, MedGen C0949658, MeSH D024741, MONDO:0024573. Inheritance: Various modes of inheritance.
Dilated cardiomyopathy 1AA (CMD1AA). Also called: CARDIOMYOPATHY, DILATED, 1AA, WITH OR WITHOUT LEFT VENTRICULAR NONCOMPACTION; CARDIOMYOPATHY, FAMILIAL HYPERTROPHIC, 23, WITH OR WITHOUT LEFT VENTRICULAR NONCOMPACTION; Cardiomyopathy, dilated, 1AA, with or without LVNC. Identifiers: Orphanet 154, MedGen C2677338, MONDO:0012808, OMIM 612158.

Allele frequency attached by ClinVar (database versions not stated): ExAC 0.00001; gnomAD 0.00001; gnomAD exomes 0.00001; TOPMed 0.00001.
gnomAD v4.1: 12 of 1,614,016 alleles (0.00074%); highest among the groups gnomAD compares: Non-Finnish European, 0.001%; no homozygotes.

Submissions (3):

Labcorp Genetics (formerly Invitae), Labcorp
Classification: Uncertain significance for Primary familial hypertrophic cardiomyopathy; Dilated cardiomyopathy 1AA. Last evaluated: 2024-07-19. Review status: criteria provided, single submitter. Criteria: Invitae Variant Classification Sherloc (09022015). Collection method: clinical testing. Allele origin: germline.
Comment: This sequence change replaces methionine, which is neutral and non-polar, with valine, which is neutral and non-polar, at codon 576 of the ACTN2 protein (p.Met576Val). This variant is present in population databases (rs764719024, gnomAD 0.002%). This variant has not been reported in the literature in individuals affected with ACTN2-related conditions. ClinVar contains an entry for this variant (Variation ID: 915737). Advanced modeling of protein sequence and biophysical properties (such as structural, functional, and spatial information, amino acid conservation, physicochemical variation, residue mobility, and thermodynamic stability) performed at Invitae indicates that this missense variant is not expected to disrupt ACTN2 protein function with a negative predictive value of 80%. In summary, the available evidence is currently insufficient to determine the role of this variant in disease. Therefore, it has been classified as a Variant of Uncertain Significance.

Blueprint Genetics
Classification: Likely benign. Last evaluated: 2024-04-04. Review status: criteria provided, single submitter. Criteria: ACMG Guidelines, 2015. Collection method: clinical testing. Allele origin: germline.

CHEO Genetics Diagnostic Laboratory, Children's Hospital of Eastern Ontario
Classification: Uncertain significance for Cardiomyopathy. Last evaluated: 2018-06-14. Review status: criteria provided, single submitter. Criteria: ACMG Guidelines, 2015. Collection method: clinical testing. Allele origin: germline.